The following is an entry in ClinVar:

ClinVar aggregate classification (germline): Uncertain significance (1 of 4 stars; one submission).

gnomAD v4.1: 9 of 1,611,322 alleles (0.00056%); highest among the groups gnomAD compares: Non-Finnish European, 0.00076%; no homozygotes.

Submission:

Labcorp Genetics (formerly Invitae), Labcorp
Classification: Uncertain significance. Last evaluated: 2024-03-15. Review status: criteria provided, single submitter. Criteria: Invitae Variant Classification Sherloc (09022015). Collection method: clinical testing. Allele origin: germline.
Comment: This sequence change replaces arginine, which is basic and polar, with proline, which is neutral and non-polar, at codon 504 of the COL9A2 protein (p.Arg504Pro). This variant is not present in population databases (gnomAD no frequency). This variant has not been reported in the literature in individuals affected with COL9A2-related conditions. ClinVar contains an entry for this variant (Variation ID: 2073162). Advanced modeling of protein sequence and biophysical properties (such as structural, functional, and spatial information, amino acid conservation, physicochemical variation, residue mobility, and thermodynamic stability) performed at Invitae indicates that this missense variant is not expected to disrupt COL9A2 protein function with a negative predictive value of 95%. In summary, the available evidence is currently insufficient to determine the role of this variant in disease. Therefore, it has been classified as a Variant of Uncertain Significance.

NM_001852.4(COL9A2):c.1511G>C (p.Arg504Pro)

Gene: COL9A2 (collagen type IX alpha 2 chain; minus strand). Cytogenetic location: 1p34.2.
Variant type: single nucleotide variant.
Coding change: c.1511G>C on transcript NM_001852.4 (MANE Select); coding-DNA position 1511, G replaced by C.
Protein change: p.Arg504Pro; replaces arginine 504 with proline.
Molecular consequence: missense variant.
Genome position (GRCh38, 1-based): chr1:40,303,567, C>G on the plus strand (G>C on the coding strand, the complement: COL9A2 is on the minus strand). VCF-style: chr1-40303567-C-G. GRCh37 (hg19) VCF-style: chr1-40769239-C-G.
Other names: short protein forms R504P.
Identifiers: ClinVar variation 2073162 (VCV002073162.4), dbSNP rs1446438792, ClinGen allele CA339878058.
Genomic context (GRCh38, chr1:40,303,567, plus strand): 5'-TCCTACCCCGGGGCCCGACTCACCTCCACGCCCTGTCTCCCGGGCTGTCCTGGCACGCCT[C>G]GGTTCCCGGCCAGTCCTCGAGGGCCGGGGGGACCAGGGTAGCCCTGAACCCCTGGGGCGC-3'
Protein context (NP_001843.1, residues 494-514): PPGPRGLAGN[Arg504Pro]GVPGQPGRQG